The following is an entry in ClinVar:

NM_001166114.2(PNPLA6):c.2839_2840dup (p.Arg949fs)

Gene: PNPLA6 (patatin like domain 6, lysophospholipase; plus strand). Cytogenetic location: 19p13.2.
Variant type: Duplication.
Coding change: c.2839_2840dup on transcript NM_001166114.2 (MANE Select); coding-DNA positions 2839 to 2840, 2 bases duplicated (TT; older notation c.2839_2840dupTT).
Protein change: p.Arg949fs; shifts the reading frame from arginine 949.
Molecular consequence: frameshift variant.
Genome position (GRCh38, 1-based): chr19:7,555,270-7,555,271, TT duplicated; duplicating any 2 consecutive bases within chr19:7,555,268-7,555,271 gives the same sequence; the c. name uses the placement nearest the transcript's 3' end. VCF-style (leftmost placement, unchanged base first): chr19-7555267-G-GTT. GRCh37 (hg19) VCF-style: chr19-7620153-G-GTT.
Other names: c.2869_2870dup, p.Arg959fs (NM_001166111.2); c.2644_2645dup, p.Arg884fs (NM_001166112.2); c.2725_2726dup, p.Arg911fs (NM_001166113.1, NM_006702.5); short protein forms R949fs, R884fs, R911fs, R959fs.
Identifiers: ClinVar variation 1375988 (VCV001375988.6), dbSNP rs1168679768, ClinGen allele CA884238519.

ClinVar aggregate classification (germline): Pathogenic (1 of 4 stars; one submission).

Conditions:
Hereditary spastic paraplegia 39 (SPG39). Also called: SPASTIC PARAPLEGIA 39, AUTOSOMAL RECESSIVE; Spastic Paraplegia Type 39 (SPG39). Identifiers: Orphanet 139480, MedGen C2677586, MONDO:0012787, OMIM 612020.

Submission:

Labcorp Genetics (formerly Invitae), Labcorp
Classification: Pathogenic for Hereditary spastic paraplegia 39. Last evaluated: 2021-09-15. Review status: criteria provided, single submitter. Criteria: Invitae Variant Classification Sherloc (09022015). Collection method: clinical testing. Allele origin: germline.
Comment: For these reasons, this variant has been classified as Pathogenic. This variant has not been reported in the literature in individuals affected with PNPLA6-related conditions. This variant is not present in population databases (ExAC no frequency). This sequence change creates a premature translational stop signal (p.Arg911Profs*26) in the PNPLA6 gene. It is expected to result in an absent or disrupted protein product. Loss-of-function variants in PNPLA6 are known to be pathogenic (PMID: 24355708).

Literature cited by the submitters: PubMed 24355708.